The following is an entry in ClinVar:

ClinVar aggregate classification (germline): Uncertain significance (1 of 4 stars; one submission).

Submission:

Labcorp Genetics (formerly Invitae), Labcorp
Classification: Uncertain significance. Last evaluated: 2024-06-26. Review status: criteria provided, single submitter. Criteria: Invitae Variant Classification Sherloc (09022015). Collection method: clinical testing. Allele origin: germline.
Comment: This sequence change replaces arginine, which is basic and polar, with glycine, which is neutral and non-polar, at codon 98 of the CABP4 protein (p.Arg98Gly). This variant is not present in population databases (gnomAD no frequency). This variant has not been reported in the literature in individuals affected with CABP4-related conditions. Advanced modeling of protein sequence and biophysical properties (such as structural, functional, and spatial information, amino acid conservation, physicochemical variation, residue mobility, and thermodynamic stability) performed at Invitae indicates that this missense variant is not expected to disrupt CABP4 protein function with a negative predictive value of 80%. In summary, the available evidence is currently insufficient to determine the role of this variant in disease. Therefore, it has been classified as a Variant of Uncertain Significance.

NM_145200.5(CABP4):c.292C>G (p.Arg98Gly)

Gene: CABP4 (calcium binding protein 4; plus strand). Cytogenetic location: 11q13.2.
Variant type: single nucleotide variant.
Coding change: c.292C>G on transcript NM_145200.5 (MANE Select); coding-DNA position 292, C replaced by G.
Protein change: p.Arg98Gly; replaces arginine 98 with glycine.
Molecular consequence: missense variant. On other transcripts: 5 prime UTR variant (3), non-coding transcript variant (1).
Genome position (GRCh38, 1-based): chr11:67,455,715, C>G. VCF-style: chr11-67455715-C-G. GRCh37 (hg19) VCF-style: chr11-67223186-C-G.
Other names: c.-92C>G (NM_001300895.3); c.-106C>G (NM_001300896.3, NM_001379183.1); short protein forms R98G.
Identifiers: ClinVar variation 3657867 (VCV003657867.2).